The following is an entry in ClinVar:

ClinVar aggregate classification (germline): Uncertain significance. Review status: criteria provided, multiple submitters, no conflicts (2 of 4 stars). 7 submissions from 7 submitters: Uncertain significance (5). 2 of the submissions do not count toward it. Last evaluated 2026-03-16.

Conditions:
CFTR-related disorder (CFTR-RD). Also called: CFTR-related disorders; CFTR-related condition. Identifiers: MedGen C5924204, MONDO:7770004.
Cystic fibrosis (CF). Also called: MUCOVISCIDOSIS. Identifiers: Orphanet 586, MedGen C0010674, MONDO:0009061, OMIM 219700. Disease mechanism: loss of function.

Allele frequency attached by ClinVar (database versions not stated): gnomAD 0.00001 and 0.00002; ExAC 0.00002; gnomAD exomes 0.00002; TOPMed 0.00002.
gnomAD v4.1: 24 of 1,613,864 alleles (0.0015%); highest among the groups gnomAD compares: South Asian, 0.011%; no homozygotes.

Submissions (7):

Women's Health and Genetics/Laboratory Corporation of America, LabCorp
Classification: Uncertain significance. Last evaluated: 2026-03-16. Review status: criteria provided, single submitter. Criteria: LabCorp Variant Classification Summary - May 2015. Collection method: clinical testing. Allele origin: germline.
Comment: Variant summary: CFTR c.4297G>A (p.Glu1433Lys) results in a conservative amino acid change located in the ABC transporter-like, ATP-binding domain (IPR003439) of the encoded protein sequence. Three of five in-silico tools predict a damaging effect of the variant on protein function. The variant allele was found at a frequency of 2.4e-05 in 250854 control chromosomes. c.4297G>A has been reported in the literature as a non-informative genotype (second allele not specified) in at-least one individual each with Cystic Fibrosis/cohort of CBAVD/cohort of smokers with chronic bronchitis (example, Behar_2017, Luo_2021, Saferali_2022, Cheng_2022). These report(s) do not provide unequivocal conclusions about association of the variant with Cystic Fibrosis. At least one publication reports experimental evidence evaluating an impact on protein function.The most pronounced variant effect resulted in approximately 23% of normal chloride channel conductance relative to wild type (e.g., Bihler_2024). The following publications have been ascertained in the context of this evaluation (PMID: 28546993, 35119551, 32777524, 34996830, 38388235). ClinVar contains an entry for this variant (Variation ID: 558250). Based on the evidence outlined above, the variant was classified as VUS-possibly pathogenic.

Ambry Genetics
Classification: Uncertain significance for Cystic fibrosis. Last evaluated: 2024-12-16. Review status: criteria provided, single submitter. Criteria: Ambry Variant Classification Scheme 2023. Collection method: clinical testing. Allele origin: germline.
Comment: The p.E1433K variant (also known as c.4297G>A), located in coding exon 27 of the CFTR gene, results from a G to A substitution at nucleotide position 4297. The glutamic acid at codon 1433 is replaced by lysine, an amino acid with similar properties. This alteration was identified in an individual with a clinical diagnosis of cystic fibrosis however no specific clinical data was provided. A second CFTR alteration was not identified in this individual (Behar DM et al. Mol Genet Genomic Med, 2017 May;5:223-236). This alteration was also identified in an individual diagnosed with congenital absence of the vas deferens (CAVD) (Luo S et al. Gene, 2021 Jan;765:145045). This amino acid position is highly conserved in available vertebrate species. In addition, this alteration is predicted to be deleterious by in silico analysis. Based on the available evidence, the clinical significance of this variant remains unclear.

Blueprint Genetics
Classification: Uncertain significance. Last evaluated: 2024-07-22. Review status: criteria provided, single submitter. Criteria: ACMG Guidelines, 2015. Collection method: clinical testing. Allele origin: germline.

Labcorp Genetics (formerly Invitae), Labcorp
Classification: Uncertain significance for Cystic fibrosis. Last evaluated: 2022-03-19. Review status: criteria provided, single submitter. Criteria: Invitae Variant Classification Sherloc (09022015). Collection method: clinical testing. Allele origin: germline.
Comment: This sequence change replaces glutamic acid, which is acidic and polar, with lysine, which is basic and polar, at codon 1433 of the CFTR protein (p.Glu1433Lys). This variant is present in population databases (rs750559671, gnomAD 0.009%). This missense change has been observed in individual(s) with congenital absence of vas deferens and/or cystic fibrosis (PMID: 28546993, 32777524). ClinVar contains an entry for this variant (Variation ID: 558250). Algorithms developed to predict the effect of missense changes on protein structure and function (SIFT, PolyPhen-2, Align-GVGD) all suggest that this variant is likely to be tolerated. In summary, the available evidence is currently insufficient to determine the role of this variant in disease. Therefore, it has been classified as a Variant of Uncertain Significance.

Genome-Nilou Lab
Classification: Uncertain significance for Cystic fibrosis. Last evaluated: 2021-09-05. Review status: criteria provided, single submitter. Criteria: ACMG Guidelines, 2015. Collection method: clinical testing. Allele origin: germline. Affected: no.

Natera, Inc.
Classification: Uncertain significance for CFTR-related disorders. Last evaluated: 2018-08-21. Review status: no assertion criteria provided. Collection method: clinical testing. Allele origin: germline. Not counted in ClinVar's aggregate classification.

Counsyl
Classification: Uncertain significance for Cystic fibrosis. Last evaluated: 2018-05-08. Review status: no assertion criteria provided. Collection method: clinical testing. Allele origin: unknown. Not counted in ClinVar's aggregate classification.

Literature cited by the submitters: PubMed 28546993 (cited by 4 submitters); PubMed 32777524 (cited by 3 submitters); PubMed 34996830 (cited by Women's Health and Genetics/Laboratory Corporation of America, LabCorp); PubMed 35119551 (cited by Women's Health and Genetics/Laboratory Corporation of America, LabCorp); PubMed 38388235 (cited by Women's Health and Genetics/Laboratory Corporation of America, LabCorp); PubMed 40955454 (cited by Women's Health and Genetics/Laboratory Corporation of America, LabCorp).

NM_000492.4(CFTR):c.4297G>A (p.Glu1433Lys)

Genes: CFTR (CF transmembrane conductance regulator; plus strand), LOC111674477 (CFTR intron 23 enhancer; plus strand). Cytogenetic location: 7q31.2.
Variant type: single nucleotide variant.
Coding change: c.4297G>A on transcript NM_000492.4 (MANE Select); coding-DNA position 4297, G replaced by A.
Protein change: p.Glu1433Lys; replaces glutamic acid 1433 with lysine.
Molecular consequence: missense variant.
Genome position (GRCh38, 1-based): chr7:117,666,962, G>A. VCF-style: chr7-117666962-G-A. GRCh37 (hg19) VCF-style: chr7-117307016-G-A.
Other names: short protein forms E1433K.
Identifiers: ClinVar variation 558250 (VCV000558250.18), dbSNP rs750559671, ClinGen allele CA4451689.